The following is an entry in ClinVar:

ClinVar aggregate classification (germline): Uncertain significance. Review status: criteria provided, multiple submitters, no conflicts (2 of 4 stars). 3 submissions from 3 submitters: Uncertain significance (3). Last evaluated 2025-10-09.

Conditions:
Rothmund-Thomson syndrome (RTS). Also called: Poikiloderma Congenitale; Poikiloderma of Rothmund-Thomson. Identifiers: Orphanet 2909, MedGen C0032339, MONDO:0010002.
Rapadilino syndrome. Identifiers: Orphanet 3021, MedGen C1849453, MONDO:0009955, OMIM 266280.
Baller-Gerold syndrome (BGS). Also called: CRANIOSYNOSTOSIS WITH RADIAL DEFECTS. Identifiers: Orphanet 1225, MedGen C0265308, MONDO:0009039, OMIM 218600.

Allele frequency attached by ClinVar (database versions not stated): TOPMed 0.00006; ESP Exome Variant Server 0.00008.
gnomAD v4.1: 109 of 1,612,456 alleles (0.0068%); highest among the groups gnomAD compares: Non-Finnish European, 0.009%; no homozygotes.

Submissions (3):

Labcorp Genetics (formerly Invitae), Labcorp
Classification: Uncertain significance for Baller-Gerold syndrome. Last evaluated: 2025-10-09. Review status: criteria provided, single submitter. Criteria: Invitae Variant Classification Sherloc (09022015). Collection method: clinical testing. Allele origin: germline.
Comment: This sequence change replaces arginine, which is basic and polar, with glutamine, which is neutral and polar, at codon 1181 of the RECQL4 protein (p.Arg1181Gln). This variant is present in population databases (rs370069034, gnomAD 0.005%). This variant has not been reported in the literature in individuals affected with RECQL4-related conditions. ClinVar contains an entry for this variant (Variation ID: 529017). An algorithm developed to predict the effect of missense changes on protein structure and function outputs the following: PolyPhen-2: "Not Available". The glutamine amino acid residue is found in multiple mammalian species, which suggests that this missense change does not adversely affect protein function. In summary, the available evidence is currently insufficient to determine the role of this variant in disease. Therefore, it has been classified as a Variant of Uncertain Significance.

Fulgent Genetics
Classification: Uncertain significance for Baller-Gerold syndrome; Rapadilino syndrome; Rothmund-Thomson syndrome type 2. Last evaluated: 2018-10-31. Review status: criteria provided, single submitter. Criteria: ACMG Guidelines, 2015. Collection method: clinical testing. Allele origin: unknown.

Breakthrough Genomics
Classification: Uncertain significance. Review status: criteria provided, single submitter. Criteria: ACMG Guidelines, 2015. Collection method: not provided. Allele origin: germline. Inheritance: Autosomal recessive inheritance. Affected: yes.

NM_004260.4(RECQL4):c.3542G>A (p.Arg1181Gln)

Gene: RECQL4 (RecQ like helicase 4; minus strand). Cytogenetic location: 8q24.3.
Variant type: single nucleotide variant.
Coding change: c.3542G>A on transcript NM_004260.4 (MANE Select); coding-DNA position 3542, G replaced by A.
Protein change: p.Arg1181Gln; replaces arginine 1181 with glutamine.
Molecular consequence: missense variant.
Genome position (GRCh38, 1-based): chr8:144,511,516, C>T on the plus strand (G>A on the coding strand, the complement: RECQL4 is on the minus strand). VCF-style: chr8-144511516-C-T. GRCh37 (hg19) VCF-style: chr8-145736899-C-T.
Other names: short protein forms R1181Q.
Identifiers: ClinVar variation 529017 (VCV000529017.10), dbSNP rs370069034, ClinGen allele CA4947653.
Genomic context (GRCh38, chr8:144,511,516, plus strand): 5'-TCCGTGGCCAGGCCCACCAGGGCATGGAAGCTCAGGTGCAGGTATTTTCTCCAGAAGCGT[C>T]GGTCCTGCCCGTACACCTGGGCCGGGTAGCAGGGGCTTCCTACGGTGGAGCCAAGACACA-3'
Protein context (NP_004251.4, residues 1171-1191): CYPAQVYGQD[Arg1181Gln]RFWRKYLHLS